The following is an entry in ClinVar:

NM_206933.4(USH2A):c.1979G>A (p.Gly660Glu)

Gene: USH2A (usherin; minus strand). Cytogenetic location: 1q41.
Variant type: single nucleotide variant.
Coding change: c.1979G>A on transcript NM_206933.4 (MANE Select); coding-DNA position 1979, G replaced by A.
Protein change: p.Gly660Glu; replaces glycine 660 with glutamic acid.
Molecular consequence: missense variant.
Genome position (GRCh38, 1-based): chr1:216,251,091, C>T on the plus strand (G>A on the coding strand, the complement: USH2A is on the minus strand). VCF-style: chr1-216251091-C-T. GRCh37 (hg19) VCF-style: chr1-216424433-C-T.
Other names: c.1979G>A, p.Gly660Glu (NM_007123.6); short protein forms G660E.
Identifiers: ClinVar variation 2811538 (VCV002811538.5), dbSNP rs2528172143, ClinGen allele CA344866820.

ClinVar aggregate classification (germline): Conflicting classifications of pathogenicity. Review status: criteria provided, conflicting classifications (1 of 4 stars). 2 submissions from 2 submitters: Likely pathogenic (1); Uncertain significance (1). Last evaluated 2025-07-31.

gnomAD v4.1: 1 of 1,613,964 alleles (0.000062%); no homozygotes.

Submissions (2):

Women's Health and Genetics/Laboratory Corporation of America, LabCorp
Classification: Uncertain significance. Last evaluated: 2025-07-31. Review status: criteria provided, single submitter. Criteria: LabCorp Variant Classification Summary - May 2015. Collection method: clinical testing. Allele origin: germline.
Comment: Variant summary: USH2A c.1979G>A (p.Gly660Glu) results in a non-conservative amino acid change located in the Laminin-type EGF domain (IPR002049) of the encoded protein sequence. Algorithms developed to predict the effect of missense changes on protein structure and function all suggest that this variant is likely to be disruptive. The variant was absent in 250804 control chromosomes (gnomAD). The available data on variant occurrences in the general population are insufficient to allow any conclusion about variant significance. To our knowledge, no occurrence of c.1979G>A in individuals affected with Usher Syndrome and no experimental evidence demonstrating its impact on protein function have been reported. A different variant affecting the same codon has been classified as pathogenic by our lab (c.1978G>A, p.Gly660Arg) ), supporting the relevance of this residue for protein function. ClinVar contains an entry for this variant (Variation ID: 2811538). Based on the evidence outlined above, the variant was classified as uncertain significance.

Labcorp Genetics (formerly Invitae), Labcorp
Classification: Likely pathogenic. Last evaluated: 2022-11-02. Review status: criteria provided, single submitter. Criteria: Invitae Variant Classification Sherloc (09022015). Collection method: clinical testing. Allele origin: germline.
Comment: In summary, the currently available evidence indicates that the variant is pathogenic, but additional data are needed to prove that conclusively. Therefore, this variant has been classified as Likely Pathogenic. This variant disrupts the p.Gly660 amino acid residue in USH2A. Other variant(s) that disrupt this residue have been determined to be pathogenic (PMID: 24944099, 26927203; Invitae). This suggests that this residue is clinically significant, and that variants that disrupt this residue are likely to be disease-causing. Advanced modeling of protein sequence and biophysical properties (such as structural, functional, and spatial information, amino acid conservation, physicochemical variation, residue mobility, and thermodynamic stability) performed at Invitae indicates that this missense variant is expected to disrupt USH2A protein function. This variant has not been reported in the literature in individuals affected with USH2A-related conditions. This variant is not present in population databases (gnomAD no frequency). This sequence change replaces glycine, which is neutral and non-polar, with glutamic acid, which is acidic and polar, at codon 660 of the USH2A protein (p.Gly660Glu).

Literature cited by the submitters: PubMed 24944099 (cited by Labcorp Genetics (formerly Invitae), Labcorp); PubMed 26927203 (cited by Labcorp Genetics (formerly Invitae), Labcorp).